The following is an entry in ClinVar:

ClinVar aggregate classification (germline): Benign/Likely benign. Review status: criteria provided, multiple submitters, no conflicts (2 of 4 stars). 6 submissions from 6 submitters: Benign (1); Likely benign (5). Last evaluated 2026-02-03.

Conditions:
Hereditary cancer-predisposing syndrome. Also called: Neoplastic Syndromes, Hereditary; Hereditary neoplastic syndrome; Tumor predisposition; Hereditary Cancer Syndrome. Identifiers: Orphanet 140162, MedGen C0027672, MeSH D009386, MONDO:0015356.
BAP1-related tumor predisposition syndrome (TPDS1). Also called: Tumor susceptibility linked to germline BAP1 mutations; BAP1 tumor predisposition syndrome; COMMON Syndrome; TUMOR PREDISPOSITION SYNDROME 1. Identifiers: Orphanet 289539, MedGen C3280492, MONDO:0013692, OMIM 614327.

Allele frequency attached by ClinVar (database versions not stated): gnomAD exomes below 0.00001 and 0.00002; TOPMed below 0.00001; ExAC 0.00001; gnomAD 0.00001.
gnomAD v4.1: 7 of 1,611,128 alleles (0.00043%); highest among the groups gnomAD compares: East Asian, 0.013%; no homozygotes.

Submissions (6):

Labcorp Genetics (formerly Invitae), Labcorp
Classification: Likely benign for BAP1-related tumor predisposition syndrome. Last evaluated: 2026-02-03. Review status: criteria provided, single submitter. Criteria: Invitae Variant Classification Sherloc (09022015). Collection method: clinical testing. Allele origin: germline.

Myriad Genetics, Inc.
Classification: Benign for BAP1-related tumor predisposition syndrome. Last evaluated: 2024-07-11. Review status: criteria provided, single submitter. Criteria: Myriad Autosomal Dominant, Autosomal Recessive and X-Linked Classification Criteria (2023). Collection method: clinical testing. Allele origin: unknown.
Comment: This variant is considered benign. This variant is a silent/synonymous amino acid change and it is not expected to impact splicing.

Quest Diagnostics Nichols Institute San Juan Capistrano
Classification: Likely benign. Last evaluated: 2022-12-07. Review status: criteria provided, single submitter. Criteria: Quest Diagnostics criteria. Collection method: clinical testing. Allele origin: unknown.

GeneDx
Classification: Likely benign. Last evaluated: 2021-06-22. Review status: criteria provided, single submitter. Criteria: GeneDx Variant Classification Process June 2021. Collection method: clinical testing. Allele origin: germline. Affected: yes.

Color Diagnostics, LLC DBA Color Health
Classification: Likely benign for Hereditary cancer-predisposing syndrome. Last evaluated: 2016-12-22. Review status: criteria provided, single submitter. Criteria: ACMG Guidelines, 2015. Collection method: clinical testing. Allele origin: germline.

Ambry Genetics
Classification: Likely benign for Hereditary cancer-predisposing syndrome. Last evaluated: 2015-08-11. Review status: criteria provided, single submitter. Criteria: Ambry Variant Classification Scheme 2023. Collection method: clinical testing. Allele origin: germline.

Literature cited by the submitters: PubMed 30850667 (cited by Quest Diagnostics Nichols Institute San Juan Capistrano).

NM_004656.4(BAP1):c.177G>A (p.Arg59=)

Gene: BAP1 (BRCA1 associated deubiquitinase 1; minus strand). Cytogenetic location: 3p21.1.
Variant type: single nucleotide variant.
Coding change: c.177G>A on transcript NM_004656.4 (MANE Select); coding-DNA position 177, G replaced by A.
Protein change: p.Arg59=; no amino-acid change (arginine 59 retained).
Molecular consequence: synonymous variant.
Genome position (GRCh38, 1-based): chr3:52,408,552, C>T on the plus strand (G>A on the coding strand, the complement: BAP1 is on the minus strand). VCF-style: chr3-52408552-C-T. GRCh37 (hg19) VCF-style: chr3-52442568-C-T.
Other names: c.177G>A (LRG_529t1).
Identifiers: ClinVar variation 240052 (VCV000240052.25), dbSNP rs770446947, ClinGen allele CA2437166.